The following is an entry in ClinVar:

NM_001170535.3(ATAD3A):c.440A>G (p.Gln147Arg)

Gene: ATAD3A (ATPase family AAA domain containing 3A; plus strand). Cytogenetic location: 1p36.33.
Variant type: single nucleotide variant.
Coding change: c.440A>G on transcript NM_001170535.3 (MANE Select); coding-DNA position 440, A replaced by G.
Protein change: p.Gln147Arg; replaces glutamine 147 with arginine.
Molecular consequence: missense variant.
Genome position (GRCh38, 1-based): chr1:1,517,771, A>G. VCF-style: chr1-1517771-A-G. GRCh37 (hg19) VCF-style: chr1-1453151-A-G.
Other names: c.203A>G, p.Gln68Arg (NM_001170536.3); c.584A>G, p.Gln195Arg (NM_018188.5); short protein forms Q147R, Q195R, Q68R.
Identifiers: ClinVar variation 1800895 (VCV001800895.1), dbSNP rs2524139425, ClinGen allele CA337851966.

ClinVar aggregate classification (germline): Uncertain significance (1 of 4 stars; one submission).

Submission:

GeneDx
Classification: Uncertain significance. Last evaluated: 2022-05-27. Review status: criteria provided, single submitter. Criteria: GeneDx Variant Classification Process June 2021. Collection method: clinical testing. Allele origin: germline. Affected: yes.
Comment: Not observed at significant frequency in large population cohorts (gnomAD); In silico analysis supports that this missense variant has a deleterious effect on protein structure/function; Has not been previously published as pathogenic or benign to our knowledge